The following is an entry in ClinVar:

ClinVar aggregate classification (germline): Uncertain significance (1 of 4 stars; one submission).

Conditions:
Neuroblastoma, susceptibility to, 3. Also called: ALK-Related Neuroblastic Tumor Susceptibility. Identifiers: Orphanet 635, MedGen C2751681, MONDO:0013083, OMIM 613014.

Submission:

Labcorp Genetics (formerly Invitae), Labcorp
Classification: Uncertain significance for Neuroblastoma, susceptibility to, 3. Last evaluated: 2022-03-31. Review status: criteria provided, single submitter. Criteria: Invitae Variant Classification Sherloc (09022015). Collection method: clinical testing. Allele origin: germline.
Comment: In summary, the available evidence is currently insufficient to determine the role of this variant in disease. Therefore, it has been classified as a Variant of Uncertain Significance. Algorithms developed to predict the effect of missense changes on protein structure and function are either unavailable or do not agree on the potential impact of this missense change (SIFT: "Deleterious"; PolyPhen-2: "Probably Damaging"; Align-GVGD: "Class C0"). ClinVar contains an entry for this variant (Variation ID: 1043924). This variant has not been reported in the literature in individuals affected with ALK-related conditions. This variant is not present in population databases (gnomAD no frequency). This sequence change replaces leucine, which is neutral and non-polar, with isoleucine, which is neutral and non-polar, at codon 568 of the ALK protein (p.Leu568Ile).

NM_004304.5(ALK):c.1702C>A (p.Leu568Ile)

Gene: ALK (ALK receptor tyrosine kinase; minus strand). Cytogenetic location: 2p23.2.
Variant type: single nucleotide variant.
Coding change: c.1702C>A on transcript NM_004304.5 (MANE Select); coding-DNA position 1702, C replaced by A.
Protein change: p.Leu568Ile; replaces leucine 568 with isoleucine.
Molecular consequence: missense variant.
Genome position (GRCh38, 1-based): chr2:29,297,003, G>T on the plus strand (C>A on the coding strand, the complement: ALK is on the minus strand). VCF-style: chr2-29297003-G-T. GRCh37 (hg19) VCF-style: chr2-29519869-G-T.
Other names: short protein forms L568I.
Identifiers: ClinVar variation 1043924 (VCV001043924.8), dbSNP rs1666205957, ClinGen allele CA346466422.